The following is an entry in ClinVar:

NM_006939.4(SOS2):c.1264G>A (p.Glu422Lys)

Gene: SOS2 (SOS Ras/Rho guanine nucleotide exchange factor 2; minus strand). Cytogenetic location: 14q21.3.
Variant type: single nucleotide variant.
Coding change: c.1264G>A on transcript NM_006939.4 (MANE Select); coding-DNA position 1264, G replaced by A.
Protein change: p.Glu422Lys; replaces glutamic acid 422 with lysine.
Molecular consequence: missense variant.
Genome position (GRCh38, 1-based): chr14:50,160,019, C>T on the plus strand (G>A on the coding strand, the complement: SOS2 is on the minus strand). VCF-style: chr14-50160019-C-T. GRCh37 (hg19) VCF-style: chr14-50626737-C-T.
Other names: short protein forms E422K.
Identifiers: ClinVar variation 1008208 (VCV001008208.13), dbSNP rs375244948, ClinGen allele CA7177301.
Genomic context (GRCh38, chr14:50,160,019, plus strand): 5'-ATTCATTACAACACTGTCCAATATCTTTGCCTTCCCATCCATCGATATTTTTCTGAATTT[C>T]ATTCATTTTTTTGATAGCCAGGTGTTTGCTTCTTAATTGGTGACTATAAAAAGGGCAAAC-3'
Protein context (NP_008870.2, residues 412-432): SKHLAIKKMN[Glu422Lys]IQKNIDGWEG

ClinVar aggregate classification (germline): Conflicting classifications of pathogenicity. Review status: criteria provided, conflicting classifications (1 of 4 stars). 4 submissions from 4 submitters: Uncertain significance (3); Likely benign (1). Last evaluated 2026-01-28.

Conditions:
Cardiovascular phenotype. Identifiers: MedGen CN230736.
Noonan syndrome 9 (NS9). Identifiers: Orphanet 648, MedGen C4225282, MONDO:0014691, OMIM 616559.

Allele frequency attached by ClinVar (database versions not stated): ExAC 0.00001; gnomAD exomes 0.00001; gnomAD 0.00003; TOPMed 0.00003; ESP Exome Variant Server 0.00008.
gnomAD v4.1: 16 of 1,613,900 alleles (0.00099%); highest among the groups gnomAD compares: African/African-American, 0.004%; no homozygotes.

Submissions (4):

Labcorp Genetics (formerly Invitae), Labcorp
Classification: Likely benign for Noonan syndrome 9. Last evaluated: 2026-01-28. Review status: criteria provided, single submitter. Criteria: Invitae Variant Classification Sherloc (09022015). Collection method: clinical testing. Allele origin: germline.

Ambry Genetics
Classification: Uncertain significance for Cardiovascular phenotype. Last evaluated: 2025-09-26. Review status: criteria provided, single submitter. Criteria: Ambry Variant Classification Scheme 2023. Collection method: clinical testing. Allele origin: germline.

St. Jude Molecular Pathology, St. Jude Children's Research Hospital
Classification: Uncertain significance for Noonan syndrome 9. Last evaluated: 2025-02-05. Review status: criteria provided, single submitter. Criteria: St. Jude Assertion Criteria 2020. Collection method: clinical testing. Allele origin: germline.
Comment: The SOS2 c.1264G>A (p.Glu422Lys) missense change has a maximum subpopulation frequency of 0.004% in gnomAD v2.1.1. This variant occurs in a gene where missense variants are more likely to be damaging based on methods described by Lek et al. (PMID: 27535533). The in silico tool REVEL predicts a deleterious effect on protein function, but to our knowledge this prediction has not been confirmed by functional studies. To our knowledge, this variant has not been reported in the literature in individuals with Noonan syndrome. In summary, the evidence currently available is insufficient to determine the clinical significance of this variant. It has therefore been classified as of uncertain significance.

Genome-Nilou Lab
Classification: Uncertain significance for Noonan syndrome 9. Review status: criteria provided, single submitter. Criteria: ACMG Guidelines, 2015. Collection method: clinical testing. Allele origin: germline.